The following is an entry in ClinVar:

ClinVar aggregate classification (germline): Likely benign. Review status: criteria provided, single submitter (1 of 4 stars). 2 submissions from 2 submitters: Likely benign (1). 1 of the submissions does not count toward it. Last evaluated 2025-06-23.

Conditions:
GNAS-related disorder. Identifiers: MedGen CN380105.

gnomAD v4.1: 21 of 1,613,930 alleles (0.0013%); highest among the groups gnomAD compares: Admixed American, 0.0017%; no homozygotes.

Submissions (2):

Labcorp Genetics (formerly Invitae), Labcorp
Classification: Likely benign. Last evaluated: 2025-06-23. Review status: criteria provided, single submitter. Criteria: Invitae Variant Classification Sherloc (09022015). Collection method: clinical testing. Allele origin: germline.

PreventionGenetics, part of Exact Sciences
Classification: Likely benign for GNAS-related condition. Last evaluated: 2020-10-14. Review status: no assertion criteria provided. Collection method: clinical testing. Allele origin: germline. Not counted in ClinVar's aggregate classification.
Comment: This variant is classified as likely benign based on ACMG/AMP sequence variant interpretation guidelines (Richards et al. 2015 PMID: 25741868, with internal and published modifications).

NM_000516.7(GNAS):c.840-5T>C

Gene: GNAS (GNAS complex locus; plus strand). Cytogenetic location: 20q13.32.
Variant type: single nucleotide variant.
Coding change: c.840-5T>C on transcript NM_000516.7 (MANE Select); 5 bases into the intron before coding-DNA position 840, T replaced by C.
Molecular consequence: intron variant.
Genome position (GRCh38, 1-based): chr20:58,909,946, T>C. VCF-style: chr20-58909946-T-C. GRCh37 (hg19) VCF-style: chr20-57485001-T-C.
Other names: c.*746-5T>C (NM_016592.5); c.744-5T>C (NM_001410912.1); c.663-5T>C (NM_001309861.2, NM_001309840.2); c.*701-5T>C (NM_001077490.3); c.2769-5T>C (NM_080425.4); c.2724-5T>C (NM_001410913.1); c.843-5T>C (NM_001077488.5); c.798-5T>C (NM_080426.4); and 1 more.
Identifiers: ClinVar variation 3357289 (VCV003357289.3).
Genomic context (GRCh38, chr20:58,909,946, plus strand): 5'-GCATTCCAGACCCCTGGCCGAAAGCGCGCTTCTCCCAAGCATTCACACGGCCTCCCTTCT[T>C]GTAGATGGCTGCGCACCATCTCTGTGATCCTGTTCCTCAACAAGCAAGATCTGCTCGCTG-3'